The following is an entry in ClinVar:

NM_001141947.3(CCDC66):c.747T>C (p.Thr249=)

Gene: CCDC66 (coiled-coil domain containing 66; plus strand). Cytogenetic location: 3p14.3.
Variant type: single nucleotide variant.
Coding change: c.747T>C on transcript NM_001141947.3 (MANE Select); coding-DNA position 747, T replaced by C.
Protein change: p.Thr249=; no amino-acid change (threonine 249 retained).
Molecular consequence: synonymous variant. On other transcripts: 5 prime UTR variant (3), non-coding transcript variant (14).
Genome position (GRCh38, 1-based): chr3:56,566,986, T>C. VCF-style: chr3-56566986-T-C. GRCh37 (hg19) VCF-style: chr3-56601014-T-C.
Other names: c.645T>C, p.Thr215= (NM_001012506.5, NM_001139489.1, NM_001353152.1 and 1 more transcripts); c.747T>C, p.Thr249= (NM_001353147.1, NM_001353148.1, NM_001353150.1 and 1 more transcripts); c.726T>C, p.Thr242= (NM_001353149.1, NM_001353155.1); c.648T>C, p.Thr216= (NM_001353151.1); c.-243T>C (NM_001353156.1); c.-341T>C (NM_001353158.1); c.-457T>C (NM_001353160.1).
Identifiers: ClinVar variation 2653907 (VCV002653907.24), dbSNP rs762818632, ClinGen allele CA2460170.

ClinVar aggregate classification (germline): Likely benign (1 of 4 stars; one submission).

Allele frequency attached by ClinVar (database versions not stated): gnomAD exomes 0.00005; ExAC 0.00007; gnomAD 0.00009.
gnomAD v4.1: 90 of 1,614,026 alleles (0.0056%); highest among the groups gnomAD compares: Non-Finnish European, 0.0068%; no homozygotes.

Submission:

CeGaT Center for Human Genetics Tuebingen
Classification: Likely benign. Last evaluated: 2022-06-01. Review status: criteria provided, single submitter. Criteria: CeGaT Center For Human Genetics Tuebingen Variant Classification Criteria Version 2. Collection method: clinical testing. Allele origin: germline. Affected: yes. Observed: 1 variant allele.
Comment: CCDC66: BP4, BP7